The following is an entry in ClinVar:

NM_001378457.1(DMXL2):c.4085G>C (p.Arg1362Pro)

Gene: DMXL2 (Dmx like 2; minus strand). Cytogenetic location: 15q21.2.
Variant type: single nucleotide variant.
Coding change: c.4085G>C on transcript NM_001378457.1 (MANE Select); coding-DNA position 4085, G replaced by C.
Protein change: p.Arg1362Pro; replaces arginine 1362 with proline.
Molecular consequence: missense variant. On other transcripts: non-coding transcript variant (2), intron variant (2).
Genome position (GRCh38, 1-based): chr15:51,499,139, C>G on the plus strand (G>C on the coding strand, the complement: DMXL2 is on the minus strand). VCF-style: chr15-51499139-C-G. GRCh37 (hg19) VCF-style: chr15-51791336-C-G.
Other names: c.4085G>C, p.Arg1362Pro (NM_001174116.3, NM_001378458.1, NM_001378459.1 and 4 more transcripts); c.3845G>C, p.Arg1282Pro (NM_001378464.1); c.2765-7392G>C (NM_001378460.1); c.2765-4005G>C (NM_001174117.3); short protein forms R1282P, R1362P.
Identifiers: ClinVar variation 3061258 (VCV003061258.2), dbSNP rs146965875, ClinGen allele CA392433079.

ClinVar aggregate classification (germline): Uncertain significance (0 of 4 stars; one submission).

Conditions:
DMXL2-related disorder. Also called: DMXL2-related condition.

gnomAD v4.1: 1 of 1,614,086 alleles (0.000062%); highest among the groups gnomAD compares: Admixed American, 0.0017%; no homozygotes.

Submission:

PreventionGenetics, part of Exact Sciences
Classification: Uncertain significance for DMXL2-related condition. Last evaluated: 2024-02-27. Review status: no assertion criteria provided. Collection method: clinical testing. Allele origin: germline.
Comment: The DMXL2 c.4085G>C variant is predicted to result in the amino acid substitution p.Arg1362Pro. To our knowledge, this variant has not been reported in the literature or in a large population database, indicating this variant is rare. At this time, the clinical significance of this variant is uncertain due to the absence of conclusive functional and genetic evidence.